The following is an entry in ClinVar:

ClinVar aggregate classification (germline): Pathogenic (1 of 4 stars; one submission).

Conditions:
Joubert syndrome. Also called: CEREBELLOPARENCHYMAL DISORDER IV; JOUBERT-BOLTSHAUSER SYNDROME; Familial aplasia of the vermis. Identifiers: Orphanet 475, MedGen C5979921, MONDO:0018772.
Meckel-Gruber syndrome. Also called: DYSENCEPHALIA SPLANCHNOCYSTICA; GRUBER SYNDROME; Dysencephalia splachnocystica. Identifiers: Orphanet 564, MedGen C0265215, MONDO:0018921.

Submission:

Labcorp Genetics (formerly Invitae), Labcorp
Classification: Pathogenic for Joubert syndrome; Meckel-Gruber syndrome. Last evaluated: 2022-07-17. Review status: criteria provided, single submitter. Criteria: Invitae Variant Classification Sherloc (09022015). Collection method: clinical testing. Allele origin: germline.
Comment: This variant is not present in population databases (gnomAD no frequency). For these reasons, this variant has been classified as Pathogenic. This variant has not been reported in the literature in individuals affected with TMEM67-related conditions. This sequence change creates a premature translational stop signal (p.Asn377Ilefs*10) in the TMEM67 gene. It is expected to result in an absent or disrupted protein product. Loss-of-function variants in TMEM67 are known to be pathogenic (PMID: 20232449, 23559409).

Literature cited by the submitters: PubMed 20232449; PubMed 23559409.

NM_153704.6(TMEM67):c.1130del (p.Asn377fs)

Gene: TMEM67 (transmembrane protein 67; plus strand). Cytogenetic location: 8q22.1.
Variant type: Deletion.
Coding change: c.1130del on transcript NM_153704.6 (MANE Select); coding-DNA position 1130, one base deleted (A; older notation c.1130delA).
Protein change: p.Asn377fs; shifts the reading frame from asparagine 377.
Molecular consequence: frameshift variant. On other transcripts: non-coding transcript variant (1).
Genome position (GRCh38, 1-based): chr8:93,782,459, A deleted; the last of 4 consecutive A bases (chr8:93,782,456-93,782,459); deleting any one gives the same sequence. VCF-style (leftmost placement, unchanged base first): chr8-93782455-CA-C. GRCh37 (hg19) VCF-style: chr8-94794683-CA-C.
Other names: c.887del, p.Asn296fs (NM_001142301.1); short protein forms N296fs, N377fs.
Identifiers: ClinVar variation 2017833 (VCV002017833.4), dbSNP rs2536850924, ClinGen allele CA2580079050.